The following is an entry in ClinVar:

NM_001244710.2(GFPT1):c.118G>T (p.Val40Leu)

Gene: GFPT1 (glutamine--fructose-6-phosphate transaminase 1; minus strand). Cytogenetic location: 2p13.3.
Variant type: single nucleotide variant.
Coding change: c.118G>T on transcript NM_001244710.2 (MANE Select); coding-DNA position 118, G replaced by T.
Protein change: p.Val40Leu; replaces valine 40 with leucine.
Molecular consequence: missense variant.
Genome position (GRCh38, 1-based): chr2:69,370,106, C>A on the plus strand (G>T on the coding strand, the complement: GFPT1 is on the minus strand). VCF-style: chr2-69370106-C-A. GRCh37 (hg19) VCF-style: chr2-69597238-C-A.
Other names: c.118G>T, p.Val40Leu (NM_002056.4); short protein forms V40L.
Identifiers: ClinVar variation 655867 (VCV000655867.8), dbSNP rs1247230551, ClinGen allele CA347134943.

ClinVar aggregate classification (germline): Uncertain significance (1 of 4 stars; one submission).

Conditions:
Congenital myasthenic syndrome 12 (CMS12). Also called: MYASTHENIC SYNDROME, CONGENITAL, WITH TUBULAR AGGREGATES 1; Myasthenia, congenital, 12, with tubular aggregates. Identifiers: Orphanet 353327, Orphanet 590, MedGen C3552335, MONDO:0012518, OMIM 610542.

Allele frequency attached by ClinVar (database versions not stated): gnomAD 0.00001; gnomAD exomes below 0.00001; TOPMed 0.00001.
gnomAD v4.1: 2 of 1,591,396 alleles (0.00013%); highest among the groups gnomAD compares: Non-Finnish European, 0.00017%; no homozygotes.

Submission:

Labcorp Genetics (formerly Invitae), Labcorp
Classification: Uncertain significance for Congenital myasthenic syndrome 12. Last evaluated: 2022-07-25. Review status: criteria provided, single submitter. Criteria: Invitae Variant Classification Sherloc (09022015). Collection method: clinical testing. Allele origin: germline.
Comment: In summary, the available evidence is currently insufficient to determine the role of this variant in disease. Therefore, it has been classified as a Variant of Uncertain Significance. Algorithms developed to predict the effect of missense changes on protein structure and function (SIFT, PolyPhen-2, Align-GVGD) all suggest that this variant is likely to be tolerated. ClinVar contains an entry for this variant (Variation ID: 655867). This variant has not been reported in the literature in individuals affected with GFPT1-related conditions. This variant is not present in population databases (gnomAD no frequency). This sequence change replaces valine, which is neutral and non-polar, with leucine, which is neutral and non-polar, at codon 40 of the GFPT1 protein (p.Val40Leu).